The following is an entry in ClinVar:

NM_003738.5(PTCH2):c.526-2A>G

Gene: PTCH2 (patched 2; minus strand). Cytogenetic location: 1p34.1.
Variant type: single nucleotide variant.
Coding change: c.526-2A>G on transcript NM_003738.5 (MANE Select); the canonical splice acceptor site of the intron before coding-DNA position 526, A replaced by G.
Molecular consequence: splice acceptor variant.
Genome position (GRCh38, 1-based): chr1:44,831,799, T>C on the plus strand (A>G on the coding strand, the complement: PTCH2 is on the minus strand). VCF-style: chr1-44831799-T-C. GRCh37 (hg19) VCF-style: chr1-45297471-T-C.
Other names: c.526-2A>G (NM_001166292.2).
Identifiers: ClinVar variation 1440378 (VCV001440378.10), dbSNP rs761307519, ClinGen allele CA823586.

ClinVar aggregate classification (germline): Uncertain significance. Review status: criteria provided, multiple submitters, no conflicts (2 of 4 stars). 2 submissions from 2 submitters: Uncertain significance (2). Last evaluated 2025-06-17.

Conditions:
Basal cell nevus syndrome 1 (BCNS1). Also called: GORLIN-GOLTZ SYNDROME; MULTIPLE BASAL CELL NEVI, ODONTOGENIC KERATOCYSTS, AND SKELETAL ANOMALIES. Identifiers: MedGen CN376810, MONDO:0958174, OMIM 109400.
Gorlin syndrome. Also called: Basal cell nevus syndrome; Nevoid Basal Cell Carcinoma Syndrome. Identifiers: Orphanet 377, MedGen C0004779, MONDO:0007187.

Allele frequency attached by ClinVar (database versions not stated): gnomAD 0.00002; gnomAD exomes 0.00002 and 0.00003; TOPMed 0.00003; ExAC 0.00004.
gnomAD v4.1: 34 of 1,609,042 alleles (0.0021%); highest among the groups gnomAD compares: Middle Eastern, 0.016%; no homozygotes.

Submissions (2):

St. Jude Molecular Pathology, St. Jude Children's Research Hospital
Classification: Uncertain significance for Basal cell nevus syndrome 1. Last evaluated: 2025-06-17. Review status: criteria provided, single submitter. Criteria: St. Jude Assertion Criteria 2020. Collection method: clinical testing. Allele origin: germline.
Comment: The PTCH2 c.526-2A>G intronic change results in an A to G substitution at the -2 position of intron 4 of the PTCH2 gene. Algorithms that predict the impact of sequence changes on splicing indicate that this change may impact splicing, however, loss of function is not a well-established mechanism of disease in PTCH2. This variant has a maximum subpopulation frequency of 0.01% in gnomAD v2.1.1. To our knowledge, this variant has not been reported in individuals with nevoid basal cell carcinoma syndrome. In summary, the evidence currently available is insufficient to determine the clinical significance of this variant. It has therefore been classified as of uncertain significance.

Labcorp Genetics (formerly Invitae), Labcorp
Classification: Uncertain significance for Gorlin syndrome. Last evaluated: 2024-08-27. Review status: criteria provided, single submitter. Criteria: Invitae Variant Classification Sherloc (09022015). Collection method: clinical testing. Allele origin: germline.
Comment: This sequence change affects an acceptor splice site in intron 4 of the PTCH2 gene. It is expected to disrupt RNA splicing. Variants that disrupt the donor or acceptor splice site typically lead to a loss of protein function (PMID: 16199547), however the current clinical and genetic evidence is not sufficient to establish whether loss-of-function variants in PTCH2 cause disease. This variant is present in population databases (rs761307519, gnomAD 0.01%). This variant has not been reported in the literature in individuals affected with PTCH2-related conditions. ClinVar contains an entry for this variant (Variation ID: 1440378). Algorithms developed to predict the effect of sequence changes on RNA splicing suggest that this variant may disrupt the consensus splice site. In summary, the available evidence is currently insufficient to determine the role of this variant in disease. Therefore, it has been classified as a Variant of Uncertain Significance.

Literature cited by the submitters: PubMed 16199547 (cited by Labcorp Genetics (formerly Invitae), Labcorp).